The following is an entry in ClinVar:

NM_001365536.1(SCN9A):c.3767A>G (p.Asn1256Ser)

Genes: SCN1A-AS1 (SCN1A and SCN9A antisense RNA 1; plus strand), SCN9A (sodium voltage-gated channel alpha subunit 9; minus strand). Cytogenetic location: 2q24.3.
Variant type: single nucleotide variant.
Coding change: c.3767A>G on transcript NM_001365536.1 (MANE Select); coding-DNA position 3767, A replaced by G.
Protein change: p.Asn1256Ser; replaces asparagine 1256 with serine.
Molecular consequence: missense variant.
Genome position (GRCh38, 1-based): chr2:166,238,128, T>C on the plus strand (A>G on the coding strand, the complement: SCN9A is on the minus strand). VCF-style: chr2-166238128-T-C. GRCh37 (hg19) VCF-style: chr2-167094638-T-C.
Other names: p.Asn1245Ser; c.3734A>G, p.Asn1245Ser (NM_002977.4); short protein forms N1245S, N1256S.
Identifiers: ClinVar variation 130265 (VCV000130265.88), dbSNP rs141268327, ClinGen allele CA201784.

ClinVar aggregate classification (germline): Conflicting classifications of pathogenicity. Review status: criteria provided, conflicting classifications (1 of 4 stars). 25 submissions from 20 submitters: Uncertain significance (5); Benign (7); Likely benign (9). 4 of the submissions do not count toward it. Last evaluated 2026-10-01.

Conditions:
Severe myoclonic epilepsy in infancy (DRVT). Also called: Severe Myoclonic Epilepsy in Infancy (SMEI); SEVERE MYOCLONIC EPILEPSY OF INFANCY; DEVELOPMENTAL AND EPILEPTIC ENCEPHALOPATHY 6A; Dravet syndrome; Epileptic encephalopathy, early infantile, 6 (Dravet syndrome). Identifiers: Orphanet 33069, MedGen C0751122, MONDO:0100135, OMIM 607208.
Generalized epilepsy with febrile seizures plus, type 7 (GEFSP7). Also called: GEFS+, TYPE 7. Identifiers: Orphanet 36387, MedGen C2751778, MONDO:0013470, OMIM 613863.
Channelopathy-associated congenital insensitivity to pain, autosomal recessive. Also called: CONGENITAL ANALGESIA, AUTOSOMAL RECESSIVE; ASYMBOLIA FOR PAIN; Insensitivity to pain, channelopathy-associated. Identifiers: Orphanet 88642, Orphanet 970, MedGen C1855739, MONDO:0009459, OMIM 243000.
Paroxysmal extreme pain disorder (PEXPD). Also called: SCN9A Paroxysmal Extreme Pain Disorder (SCN9A-PEPD); PAIN, SUBMANDIBULAR, OCULAR, AND RECTAL, WITH FLUSHING; RECTAL PAIN, FAMILIAL. Identifiers: Orphanet 46348, MedGen C1833661, MONDO:0008179, OMIM 167400.
Primary erythromelalgia. Also called: SCN9A Erythromelalgia (SCN9A-EM); primary erythermalgia. Identifiers: Orphanet 306577, Orphanet 90026, MedGen C0014805, MONDO:0007571, OMIM 133020.
Neuropathy, hereditary sensory and autonomic, type 2A (HSAN2A). Also called: WNK1-Related HSAN2 (HSAN2A); MORVAN DISEASE; NEUROPATHY, CONGENITAL SENSORY; NEUROPATHY, HEREDITARY SENSORY RADICULAR, AUTOSOMAL RECESSIVE; NEUROPATHY, HEREDITARY SENSORY, TYPE IIA; NEUROPATHY, PROGRESSIVE SENSORY, OF CHILDREN. Identifiers: Orphanet 970, MedGen C2752089, MONDO:0024309, OMIM 201300.
Inborn genetic diseases. Identifiers: MedGen C0950123, MeSH D030342.
Hereditary ataxia. Also called: Hereditary Ataxias. Identifiers: Orphanet 183518, MedGen C0004138, MONDO:0100309, MONDO:0000557.

Allele frequency attached by ClinVar (database versions not stated): 1000 Genomes Project 30x 0.00265; 1000 Genomes Project 0.00280; gnomAD exomes 0.00449 and 0.00756; gnomAD 0.00490 and 0.00496; ExAC 0.00526; TOPMed 0.00527; ESP Exome Variant Server 0.00540.
gnomAD v4.1: 11,646 of 1,611,512 alleles (0.72%); highest among the groups gnomAD compares: Non-Finnish European, 0.91%; 66 homozygotes.

Submissions 1 to 16 of 25:

CeGaT Center for Human Genetics Tuebingen
Classification: Likely benign. Last evaluated: 2026-10-01. Review status: criteria provided, single submitter. Criteria: CeGaT Center For Human Genetics Tuebingen Variant Classification Criteria Version 2. Collection method: clinical testing. Allele origin: germline. Affected: yes. Observed: 39 variant alleles.
Comment: SCN9A: BS2

Labcorp Genetics (formerly Invitae), Labcorp
Classification: Benign for Neuropathy, hereditary sensory and autonomic, type 2A; Generalized epilepsy with febrile seizures plus, type 7. Last evaluated: 2026-02-03. Review status: criteria provided, single submitter. Criteria: Invitae Variant Classification Sherloc (09022015). Collection method: clinical testing. Allele origin: germline.

ARUP Laboratories, Molecular Genetics and Genomics, ARUP Laboratories
Classification: Benign. Last evaluated: 2024-12-19. Review status: criteria provided, single submitter. Criteria: ARUP Molecular Germline Variant Investigation Process 2024. Collection method: clinical testing. Allele origin: germline.

Athena Diagnostics
Classification: Likely benign. Last evaluated: 2024-09-30. Review status: criteria provided, single submitter. Criteria: Athena Diagnostics Criteria. Collection method: clinical testing. Allele origin: unknown.

Center for Genomics, Ann and Robert H. Lurie Children's Hospital of Chicago
Classification: Uncertain significance for Primary erythromelalgia; Channelopathy-associated congenital insensitivity to pain, autosomal recessive; Paroxysmal extreme pain disorder. Last evaluated: 2021-03-30. Review status: criteria provided, single submitter. Criteria: ACMG Guidelines, 2015. Collection method: clinical testing. Allele origin: germline.
Comment: SCN9A NM_002977.3 exon 20 p.Asn1245Ser (c.3734A>G): This variant has been reported in the literature in 2 individuals with erythromelalgia (Zhang 2014 PMID:29911575, Haehner 2018 PMID:29934995). This variant was also seen in one individual with language impairment who also carried a second variant in SCN9A (Chen 2017 PMID:28440294). This variant is present in 0.7% (933/126946) of European alleles, including 2 homozygotes, in the Genome Aggregation Database. This variant is present in ClinVar, with several labs classifying this variant as likely benign (Variation ID:130265). However, evolutionary conservation and computational predictive tools suggest that this variant may impact the protein. In summary, data on this variant is insufficient for disease classification. Therefore, the clinical significance of this variant is uncertain.

GeneDx
Classification: Benign. Last evaluated: 2020-05-13. Review status: criteria provided, single submitter. Criteria: GeneDx Variant Classification Process June 2021. Collection method: clinical testing. Allele origin: germline. Affected: yes.
Comment: This variant is associated with the following publications: (PMID: 28440294, 29934995, 23895530, 29911575, 29264398, 32707200)

Cambridge Genomics Laboratory, East Genomic Laboratory Hub, NHS Genomic Medicine Service
Classification: Benign for Hereditary ataxia. Last evaluated: 2020-03-04. Review status: criteria provided, single submitter. Criteria: ACGS Best Practice Guidelines for Variant Classification in Rare Disease 2020. Collection method: clinical testing. Allele origin: germline. Affected: yes. Observed: 1 variant allele.

Ambry Genetics
Classification: Likely benign for Inborn genetic diseases. Last evaluated: 2019-09-16. Review status: criteria provided, single submitter. Criteria: Ambry Variant Classification Scheme 2023. Collection method: clinical testing. Allele origin: germline.

Mendelics
Classification: Likely benign for Neuropathy, hereditary sensory and autonomic, type 2A. Last evaluated: 2019-05-28. Review status: criteria provided, single submitter. Criteria: Mendelics Assertion Criteria 2017. Collection method: clinical testing. Allele origin: unknown.

Center for Genomics, Ann and Robert H. Lurie Children's Hospital of Chicago
Classification: Uncertain significance for Generalized epilepsy with febrile seizures plus, type 7; Primary erythromelalgia; Channelopathy-associated congenital insensitivity to pain, autosomal recessive; Paroxysmal extreme pain disorder; Severe myoclonic epilepsy in infancy. Last evaluated: 2018-10-22. Review status: criteria provided, single submitter. Criteria: ACMG Guidelines, 2015. Collection method: clinical testing. Allele origin: germline.
Comment: the same text as in the submission from Center for Genomics, Ann and Robert H. Lurie Children's Hospital of Chicago above.

Mayo Clinic Laboratories, Mayo Clinic
Classification: Benign. Last evaluated: 2018-09-26. Review status: criteria provided, single submitter. Criteria: ACMG Guidelines, 2015. Collection method: clinical testing. Allele origin: germline. Observed: 32 variant alleles.

Genomic Research Center, Shahid Beheshti University of Medical Sciences
Classification: Uncertain significance for Severe myoclonic epilepsy in infancy. Last evaluated: 2018-08-07. Review status: criteria provided, single submitter. Criteria: ACMG Guidelines, 2015. Collection method: clinical testing. Allele origin: inherited. Affected: yes. Observed: 1 variant allele.

Genomic Research Center, Shahid Beheshti University of Medical Sciences
Classification: Uncertain significance for Primary erythromelalgia. Last evaluated: 2018-08-07. Review status: criteria provided, single submitter. Criteria: ACMG Guidelines, 2015. Collection method: clinical testing. Allele origin: inherited. Affected: yes. Observed: 1 variant allele.

Genomic Research Center, Shahid Beheshti University of Medical Sciences
Classification: Uncertain significance for Hereditary sensory and autonomic neuropathy type IIA. Last evaluated: 2018-08-07. Review status: criteria provided, single submitter. Criteria: ACMG Guidelines, 2015. Collection method: clinical testing. Allele origin: inherited. Affected: yes. Observed: 1 variant allele.

Illumina Laboratory Services, Illumina
Classification: Benign for Paroxysmal extreme pain disorder. Last evaluated: 2018-01-13. Review status: criteria provided, single submitter. Criteria: ICSL Variant Classification Criteria 13 December 2019. Collection method: clinical testing. Allele origin: germline.
Comment: This variant was observed in the ICSL laboratory as part of a predisposition screen in an ostensibly healthy population. It had not been previously curated by ICSL or reported in the Human Gene Mutation Database (HGMD: prior to June 1st, 2018), and was therefore a candidate for classification through an automated scoring system. Utilizing variant allele frequency, disease prevalence and penetrance estimates, and inheritance mode, an automated score was calculated to assess if this variant is too frequent to cause the disease. Based on the score and internal cut-off values, a variant classified as benign is not then subjected to further curation. The score for this variant resulted in a classification of benign for this disease.

Illumina Laboratory Services, Illumina
Classification: Benign for Primary erythromelalgia. Last evaluated: 2018-01-13. Review status: criteria provided, single submitter. Criteria: ICSL Variant Classification Criteria 13 December 2019. Collection method: clinical testing. Allele origin: germline.
Comment: the same text as in the submission from Illumina Laboratory Services, Illumina above.